The following is an entry in ClinVar:

NM_001035.3(RYR2):c.9839T>C (p.Ile3280Thr)

Gene: RYR2 (ryanodine receptor 2; plus strand). Cytogenetic location: 1q43.
Variant type: single nucleotide variant.
Coding change: c.9839T>C on transcript NM_001035.3 (MANE Select); coding-DNA position 9839, T replaced by C.
Protein change: p.Ile3280Thr; replaces isoleucine 3280 with threonine.
Molecular consequence: missense variant.
Genome position (GRCh38, 1-based): chr1:237,707,207, T>C. VCF-style: chr1-237707207-T-C. GRCh37 (hg19) VCF-style: chr1-237870507-T-C.
Other names: short protein forms I3280T.
Identifiers: ClinVar variation 1171844 (VCV001171844.3), dbSNP rs778496062, ClinGen allele CA087964.

ClinVar aggregate classification (germline): Uncertain significance (1 of 4 stars; one submission).

Conditions:
Cardiomyopathy (CMYO). Also called: Cardiomyopathies. Identifiers: Orphanet 167848, MedGen C0878544, MONDO:0004994, HP:0001638. Inheritance: Various modes of inheritance.

Allele frequency attached by ClinVar (database versions not stated): gnomAD exomes below 0.00001; ExAC 0.00001.
gnomAD v4.1: 1 of 1,599,482 alleles (0.000063%); no homozygotes.

Submission:

Color Diagnostics, LLC DBA Color Health
Classification: Uncertain significance for Cardiomyopathy. Last evaluated: 2024-03-06. Review status: criteria provided, single submitter. Criteria: ACMG Guidelines, 2015. Collection method: clinical testing. Allele origin: germline.
Comment: This missense variant replaces isoleucine with threonine at codon 3280 of the RYR2 protein. Computational prediction is inconclusive regarding the impact of this variant on protein structure and function (internally defined REVEL score threshold 0.5 < inconclusive < 0.7, PMID: 27666373). To our knowledge, functional studies have not been reported for this variant. This variant has not been reported in individuals affected with cardiovascular disorders in the literature. This variant has been identified in 1/245036 chromosomes in the general population by the Genome Aggregation Database (gnomAD). The available evidence is insufficient to determine the role of this variant in disease conclusively. Therefore, this variant is classified as a Variant of Uncertain Significance.